The following is an entry in ClinVar:

NM_004006.3(DMD):c.8391-1_8391delinsAA

Gene: DMD (dystrophin; minus strand). Cytogenetic location: Xp21.2.
Variant type: Indel.
Coding change: c.8391-1_8391delinsAA on transcript NM_004006.3 (MANE Select); the canonical splice acceptor site of the intron before coding-DNA position 8391 through coding-DNA position 8391, GG replaced by AA.
Molecular consequence: splice acceptor variant.
Genome position (GRCh38, 1-based): chrX:31,496,944-31,496,945, CC replaced by TT on the plus strand (GG replaced by AA on the coding strand, the reverse complement: DMD is on the minus strand). VCF-style: chrX-31496944-CC-TT. GRCh37 (hg19) VCF-style: chrX-31515061-CC-TT.
Other names: c.8367-1_8367delinsAA (NM_000109.4); c.4368-1_4368delinsAA (NM_004011.4); c.4359-1_4359delinsAA (NM_004012.4); c.1011-1_1011delinsAA (NM_004023.3, NM_004020.4, NM_004022.3 and 2 more transcripts); c.204-1_204delinsAA (NM_004014.3); c.8379-1_8379delinsAA (NM_004009.3); c.8022-1_8022delinsAA (NM_004010.3); c.8391-1_8391delGGinsAA (NM_004006.2).
Identifiers: ClinVar variation 409887 (VCV000409887.8), dbSNP rs1060502619, ClinGen allele CA16616666.
Genomic context (GRCh38, chrX:31,496,944, plus strand): 5'-AAGTTCCTGCAGAGAAAGGTGCAGACGCTTCCACTGGTCAGAACTGGCTTCCAAATGGGA[CC>TT]TGAAAAAGAACAGCAGCGTACCATGTCAGAATATCTAGAAGTGTAATTGATGATTCTAAC-3'

ClinVar aggregate classification (germline): Pathogenic/Likely pathogenic. Review status: criteria provided, multiple submitters, no conflicts (2 of 4 stars). 2 submissions from 2 submitters: Pathogenic (1); Likely pathogenic (1). Last evaluated 2021-08-20.

Conditions:
Becker muscular dystrophy (BMD). Also called: MUSCULAR DYSTROPHY, PSEUDOHYPERTROPHIC PROGRESSIVE, BECKER TYPE; Becker Muscular Dystrophy (BMD). Identifiers: Orphanet 98895, MedGen C0917713, MONDO:0010311, OMIM 300376.
Dilated cardiomyopathy 3B (CMD3B). Also called: CMD3B: DMD-Related Dilated Cardiomyopathy; CARDIOMYOPATHY, DILATED, X-LINKED; DMD-Associated Dilated Cardiomyopathy. Identifiers: Orphanet 154, MedGen C3668940, MONDO:0010542, OMIM 302045.
Duchenne muscular dystrophy (DMD). Also called: MUSCULAR DYSTROPHY, PSEUDOHYPERTROPHIC PROGRESSIVE, DUCHENNE TYPE; Duchenne Muscular Dystrophy (DMD). Identifiers: Orphanet 98896, MedGen C0013264, MONDO:0010679, OMIM 310200.

Submissions (2):

Fulgent Genetics
Classification: Pathogenic for Becker muscular dystrophy; Dilated cardiomyopathy 3B; Duchenne muscular dystrophy. Last evaluated: 2021-08-20. Review status: criteria provided, single submitter. Criteria: ACMG Guidelines, 2015. Collection method: clinical testing. Allele origin: unknown.

Labcorp Genetics (formerly Invitae), Labcorp
Classification: Likely pathogenic for Duchenne muscular dystrophy. Last evaluated: 2016-07-22. Review status: criteria provided, single submitter. Criteria: Invitae Variant Classification Sherloc (09022015). Collection method: clinical testing. Allele origin: germline.
Comment: This sequence change affects an acceptor splice site in intron 56 of the DMD gene. It is expected to disrupt mRNA splicing and likely results in an absent or disrupted protein product. This sequence change also effects the first nucleotide of exon 57. A similar variant, which is predicted to have the same effect on splicing (c.8391-1G>A) has been reported in the literature in an individual affected with Duchenne muscular dystrophy (DMD) (PMID: 20485447). In addition, other splice site variants in DMD are known to be pathogenic (PMID: 16770791). For these reasons, this variant has been classified as Likely Pathogenic.

Literature cited by the submitters: PubMed 20485447 (cited by Labcorp Genetics (formerly Invitae), Labcorp); PubMed 16770791 (cited by Labcorp Genetics (formerly Invitae), Labcorp).